The following is an entry in ClinVar:

ClinVar aggregate classification (germline): Likely pathogenic (1 of 4 stars; one submission).

Conditions:
Autosomal recessive limb-girdle muscular dystrophy type 2L (LGMDR12). Also called: Limb-Girdle Muscular Dystrophy R12 Anoctamin-5-Related (LGMD-R12); MUSCULAR DYSTROPHY, LIMB-GIRDLE, AUTOSOMAL RECESSIVE 12; Limb-girdle muscular dystrophy, type 2L. Identifiers: Orphanet 206549, MedGen C1969785, MONDO:0012652, OMIM 611307.
Gnathodiaphyseal dysplasia (GDD). Also called: GNATHODIAPHYSEAL SCLEROSIS; OSTEOGENESIS IMPERFECTA WITH UNUSUAL SKELETAL LESIONS. Identifiers: Orphanet 53697, MedGen C1833736, MONDO:0008151, OMIM 166260.

gnomAD v4.1: 5 of 1,614,084 alleles (0.00031%); highest among the groups gnomAD compares: Non-Finnish European, 0.00042%; no homozygotes.

Submission:

Labcorp Genetics (formerly Invitae), Labcorp
Classification: Likely pathogenic for Autosomal recessive limb-girdle muscular dystrophy type 2L; Gnathodiaphyseal dysplasia. Last evaluated: 2023-10-07. Review status: criteria provided, single submitter. Criteria: Invitae Variant Classification Sherloc (09022015). Collection method: clinical testing. Allele origin: germline.
Comment: This sequence change replaces arginine, which is basic and polar, with histidine, which is basic and polar, at codon 484 of the ANO5 protein (p.Arg484His). This variant is not present in population databases (gnomAD no frequency). This variant has not been reported in the literature in individuals affected with ANO5-related conditions. Advanced modeling of protein sequence and biophysical properties (such as structural, functional, and spatial information, amino acid conservation, physicochemical variation, residue mobility, and thermodynamic stability) performed at Invitae indicates that this missense variant is expected to disrupt ANO5 protein function. This variant disrupts the p.Arg484 amino acid residue in ANO5. Other variant(s) that disrupt this residue have been determined to be pathogenic (Invitae). This suggests that this residue is clinically significant, and that variants that disrupt this residue are likely to be disease-causing. In summary, the currently available evidence indicates that the variant is pathogenic, but additional data are needed to prove that conclusively. Therefore, this variant has been classified as Likely Pathogenic.

NM_213599.3(ANO5):c.1451G>A (p.Arg484His)

Gene: ANO5 (anoctamin 5; plus strand). Cytogenetic location: 11p14.3.
Variant type: single nucleotide variant.
Coding change: c.1451G>A on transcript NM_213599.3 (MANE Select); coding-DNA position 1451, G replaced by A.
Protein change: p.Arg484His; replaces arginine 484 with histidine.
Molecular consequence: missense variant.
Genome position (GRCh38, 1-based): chr11:22,259,562, G>A. VCF-style: chr11-22259562-G-A. GRCh37 (hg19) VCF-style: chr11-22281108-G-A.
Other names: c.1448G>A, p.Arg483His (NM_001142649.2); c.1409G>A, p.Arg470His (NM_001410963.1); c.1406G>A, p.Arg469His (NM_001410964.1); short protein forms R484H, R470H, R483H, R469H.
Identifiers: ClinVar variation 2922652 (VCV002922652.3), dbSNP rs2494305988, ClinGen allele CA379922057.
Genomic context (GRCh38, chr11:22,259,562, plus strand): 5'-TTGTTTTCCTTTCCCAGATGTCTCTTGTCGTCACCAGTATGGTAGCTGTAATTGTGTACC[G>A]CCTGTCAGTCTTTGCTACATTTGCTAGTTTCATGGAAAGTGATGCATCCTTAAAGCAGGT-3'
Protein context (NP_998764.1, residues 474-494): VTSMVAVIVY[Arg484His]LSVFATFASF